The following is an entry in ClinVar:

ClinVar aggregate classification (germline): Uncertain significance. Review status: criteria provided, multiple submitters, no conflicts (2 of 4 stars). 2 submissions from 2 submitters: Uncertain significance (2). Last evaluated 2023-08-23.

Conditions:
Tuberous sclerosis syndrome (TSC). Also called: Tuberous sclerosis; Tuberous Sclerosis Complex. Identifiers: Orphanet 805, MedGen C0041341, MONDO:0001734.

Submissions (2):

All of Us Research Program, National Institutes of Health
Classification: Uncertain significance for Tuberous sclerosis syndrome. Last evaluated: 2023-08-23. Review status: criteria provided, single submitter. Criteria: ACMG Guidelines, 2015. Collection method: clinical testing. Allele origin: germline. Inheritance: Autosomal dominant inheritance. Observed: 1 variant allele, 1 heterozygote.
Comment: This variant deletes 1 nucleotide in exon 23 of the TSC1 gene, creating a frameshift and premature translation stop signal. This mutant transcript is predicted to escape nonsense-mediated decay and be expressed as a truncated protein lacking 75 residues of the C-terminus. However, the clinical relevance of the loss of this C-terminal region is not known. To our knowledge, this variant has not been reported in individuals affected with TSC1-related disorders in the literature. This variant has not been identified in the general population by the Genome Aggregation Database (gnomAD). Loss of TSC1 function is a known mechanism of disease. The available evidence is insufficient to determine the role of this variant in disease conclusively. Therefore, this variant is classified as a Variant of Uncertain Significance.

This study involves interpretation of variants in research participants for the purpose of population health screening. Participant phenotype was not available at the time of variant classification. Additional details can be found in publication PMID: 35346344, PMCID: PMC8962531

GeneDx
Classification: Uncertain significance. Last evaluated: 2019-06-03. Review status: criteria provided, single submitter. Criteria: GeneDx Variant Classification Process June 2021. Collection method: clinical testing. Allele origin: germline. Affected: yes.
Comment: Not observed in large population cohorts (Lek et al., 2016); Has not been previously published as pathogenic or benign to our knowledge

NM_000368.5(TSC1):c.3063del (p.Arg1022fs)

Gene: TSC1 (TSC complex subunit 1; minus strand). Cytogenetic location: 9q34.13.
Variant type: Deletion.
Coding change: c.3063del on transcript NM_000368.5 (MANE Select); coding-DNA position 3063, one base deleted (C; older notation c.3063delC).
Protein change: p.Arg1022fs; shifts the reading frame from arginine 1022.
Molecular consequence: frameshift variant.
Genome position (GRCh38, 1-based): chr9:132,896,667, G deleted on the plus strand (C on the coding strand, the reverse complement: TSC1 is on the minus strand); the first of 5 consecutive G bases (chr9:132,896,667-132,896,671); deleting any one gives the same sequence. VCF-style (leftmost placement, unchanged base first): chr9-132896666-TG-T. GRCh37 (hg19) VCF-style: chr9-135772053-TG-T.
Other names: c.3060del, p.Arg1021fs (NM_001162426.2); c.2910del, p.Arg971fs (NM_001162427.2); c.2700del, p.Arg901fs (NM_001362177.2); short protein forms R1021fs, R1022fs, R901fs, R971fs.
Identifiers: ClinVar variation 1304605 (VCV001304605.3), dbSNP rs2131612319, ClinGen allele CA2573053124.